The following is an entry in ClinVar:

NM_001166108.2(PALLD):c.1013A>G (p.Asp338Gly)

Gene: PALLD (palladin, cytoskeletal associated protein; plus strand). Cytogenetic location: 4q32.3.
Variant type: single nucleotide variant.
Coding change: c.1013A>G on transcript NM_001166108.2 (MANE Select); coding-DNA position 1013, A replaced by G.
Protein change: p.Asp338Gly; replaces aspartic acid 338 with glycine.
Molecular consequence: missense variant. On other transcripts: 5 prime UTR variant (1).
Genome position (GRCh38, 1-based): chr4:168,668,294, A>G. VCF-style: chr4-168668294-A-G. GRCh37 (hg19) VCF-style: chr4-169589445-A-G.
Other names: c.-134A>G (NM_001166109.2); c.1013A>G, p.Asp338Gly (NM_016081.4); short protein forms D338G.
Identifiers: ClinVar variation 2560474 (VCV002560474.2), dbSNP rs1779850621, ClinGen allele CA358793805.

ClinVar aggregate classification (germline): Uncertain significance (1 of 4 stars; one submission).

Allele frequency attached by ClinVar (database versions not stated): gnomAD exomes below 0.00001; gnomAD 0.00001; TOPMed 0.00001.
gnomAD v4.1: 5 of 1,614,054 alleles (0.00031%); highest among the groups gnomAD compares: Non-Finnish European, 0.00042%; no homozygotes.

Submission:

Ambry Genetics
Classification: Uncertain significance. Last evaluated: 2023-04-13. Review status: criteria provided, single submitter. Criteria: Ambry Variant Classification Scheme 2023. Collection method: clinical testing. Allele origin: germline.
Comment: The p.D338G variant (also known as c.1013A>G), located in coding exon 2 of the PALLD gene, results from an A to G substitution at nucleotide position 1013. The aspartic acid at codon 338 is replaced by glycine, an amino acid with similar properties. This amino acid position is conserved. In addition, this alteration is predicted to be deleterious by in silico analysis. Since supporting evidence is limited at this time, the clinical significance of this alteration remains unclear.